The following is an entry in ClinVar:

ClinVar aggregate classification (germline): Uncertain significance (1 of 4 stars; one submission).

Submission:

Labcorp Genetics (formerly Invitae), Labcorp
Classification: Uncertain significance. Last evaluated: 2025-06-12. Review status: criteria provided, single submitter. Criteria: Invitae Variant Classification Sherloc (09022015). Collection method: clinical testing. Allele origin: germline.
Comment: This sequence change replaces proline, which is neutral and non-polar, with glutamine, which is neutral and polar, at codon 585 of the LPIN1 protein (p.Pro585Gln). This variant is not present in population databases (gnomAD no frequency). This variant has not been reported in the literature in individuals affected with LPIN1-related conditions. ClinVar contains an entry for this variant (Variation ID: 1360670). Invitae Evidence Modeling of protein sequence and biophysical properties (such as structural, functional, and spatial information, amino acid conservation, physicochemical variation, residue mobility, and thermodynamic stability) indicates that this missense variant is not expected to disrupt LPIN1 protein function with a negative predictive value of 80%. In summary, the available evidence is currently insufficient to determine the role of this variant in disease. Therefore, it has been classified as a Variant of Uncertain Significance.

NM_001349206.2(LPIN1):c.1862C>A (p.Pro621Gln)

Gene: LPIN1 (lipin 1; plus strand). Cytogenetic location: 2p25.1.
Variant type: single nucleotide variant.
Coding change: c.1862C>A on transcript NM_001349206.2 (MANE Select); coding-DNA position 1862, C replaced by A.
Protein change: p.Pro621Gln; replaces proline 621 with glutamine.
Molecular consequence: missense variant. On other transcripts: non-coding transcript variant (1).
Genome position (GRCh38, 1-based): chr2:11,795,463, C>A. VCF-style: chr2-11795463-C-A. GRCh37 (hg19) VCF-style: chr2-11935589-C-A.
Other names: c.1772C>A, p.Pro591Gln (NM_001261427.3); c.2009C>A, p.Pro670Gln (NM_001261428.3); c.1754C>A, p.Pro585Gln (NM_001349199.2, NM_145693.4); c.1832C>A, p.Pro611Gln (NM_001349200.2, NM_001349201.2); c.1859C>A, p.Pro620Gln (NM_001349202.2, NM_001349203.2); c.1862C>A, p.Pro621Gln (NM_001349204.2, NM_001349205.2); c.1952C>A, p.Pro651Gln (NM_001349207.2); c.1901C>A, p.Pro634Gln (NM_001349208.2); short protein forms P585Q, P651Q, P591Q, P611Q, P621Q, P634Q, P620Q, P670Q.
Identifiers: ClinVar variation 1360670 (VCV001360670.4), dbSNP rs144102076, ClinGen allele CA345851870.